The following is an entry in ClinVar:

NM_020433.5(JPH2):c.1694G>A (p.Gly565Asp)

Gene: JPH2 (junctophilin 2; minus strand). Cytogenetic location: 20q13.12.
Variant type: single nucleotide variant.
Coding change: c.1694G>A on transcript NM_020433.5 (MANE Select); coding-DNA position 1694, G replaced by A.
Protein change: p.Gly565Asp; replaces glycine 565 with aspartic acid.
Molecular consequence: missense variant.
Genome position (GRCh38, 1-based): chr20:44,115,981, C>T on the plus strand (G>A on the coding strand, the complement: JPH2 is on the minus strand). VCF-style: chr20-44115981-C-T. GRCh37 (hg19) VCF-style: chr20-42744621-C-T.
Other names: short protein forms G565D.
Identifiers: ClinVar variation 3641320 (VCV003641320.2).

ClinVar aggregate classification (germline): Uncertain significance (1 of 4 stars; one submission).

Conditions:
Hypertrophic cardiomyopathy. Also called: HYPERTROPHIC MYOCARDIOPATHY. Identifiers: Orphanet 217569, MedGen C0007194, MeSH D002312, MONDO:0005045, HP:0001639.

gnomAD v4.1: 2 of 1,578,048 alleles (0.00013%); no homozygotes.

Submission:

Labcorp Genetics (formerly Invitae), Labcorp
Classification: Uncertain significance for Hypertrophic cardiomyopathy. Last evaluated: 2024-09-29. Review status: criteria provided, single submitter. Criteria: Invitae Variant Classification Sherloc (09022015). Collection method: clinical testing. Allele origin: germline.
Comment: This sequence change replaces glycine, which is neutral and non-polar, with aspartic acid, which is acidic and polar, at codon 565 of the JPH2 protein (p.Gly565Asp). This variant is not present in population databases (gnomAD no frequency). This variant has not been reported in the literature in individuals affected with JPH2-related conditions. An algorithm developed to predict the effect of missense changes on protein structure and function (PolyPhen-2) suggests that this variant is likely to be disruptive. In summary, the available evidence is currently insufficient to determine the role of this variant in disease. Therefore, it has been classified as a Variant of Uncertain Significance.